The following is an entry in ClinVar:

NM_020207.7(ERCC6L2):c.625C>G (p.Leu209Val)

Gene: ERCC6L2 (ERCC excision repair 6 like 2; plus strand). Cytogenetic location: 9q22.32.
Variant type: single nucleotide variant.
Coding change: c.625C>G on transcript NM_020207.7 (MANE Select); coding-DNA position 625, C replaced by G.
Protein change: p.Leu209Val; replaces leucine 209 with valine.
Molecular consequence: missense variant. On other transcripts: non-coding transcript variant (1).
Genome position (GRCh38, 1-based): chr9:95,907,108, C>G. VCF-style: chr9-95907108-C-G. GRCh37 (hg19) VCF-style: chr9-98669390-C-G.
Other names: c.625C>G, p.Leu209Val (NM_001010895.4, NM_001375291.1, NM_001375292.1 and 2 more transcripts); short protein forms L209V.
Identifiers: ClinVar variation 3727035 (VCV003727035.3).

ClinVar aggregate classification (germline): Uncertain significance. Review status: criteria provided, multiple submitters, no conflicts (2 of 4 stars). 2 submissions from 2 submitters: Uncertain significance (2). Last evaluated 2025-07-16.

Conditions:
Inborn genetic diseases. Identifiers: MedGen C0950123, MeSH D030342.

Submissions (2):

Ambry Genetics
Classification: Uncertain significance for Inborn genetic diseases. Last evaluated: 2025-07-16. Review status: criteria provided, single submitter. Criteria: Ambry Variant Classification Scheme 2023. Collection method: clinical testing. Allele origin: germline.
Comment: The p.L209V variant (also known as c.625C>G), located in coding exon 4 of the ERCC6L2 gene, results from a C to G substitution at nucleotide position 625. The leucine at codon 209 is replaced by valine, an amino acid with highly similar properties. This amino acid position is conserved. In addition, this alteration is predicted to be deleterious by in silico analysis. Based on the available evidence, the clinical significance of this variant remains unclear.

Labcorp Genetics (formerly Invitae), Labcorp
Classification: Uncertain significance. Last evaluated: 2024-12-12. Review status: criteria provided, single submitter. Criteria: Invitae Variant Classification Sherloc (09022015). Collection method: clinical testing. Allele origin: germline.
Comment: This sequence change replaces leucine, which is neutral and non-polar, with valine, which is neutral and non-polar, at codon 220 of the ERCC6L2 protein (p.Leu220Val). This variant is not present in population databases (gnomAD no frequency). This variant has not been reported in the literature in individuals affected with ERCC6L2-related conditions. Experimental studies and prediction algorithms are not available or were not evaluated, and the functional significance of this variant is currently unknown. In summary, the available evidence is currently insufficient to determine the role of this variant in disease. Therefore, it has been classified as a Variant of Uncertain Significance.